The following is an entry in ClinVar:

NM_012243.3(SLC35A3):c.762_763dup (p.Gly255fs)

Gene: SLC35A3 (solute carrier family 35 member A3; plus strand). Cytogenetic location: 1p21.2.
Variant type: Duplication.
Coding change: c.762_763dup on transcript NM_012243.3 (MANE Select); coding-DNA positions 762 to 763, 2 bases duplicated (AG; older notation c.762_763dupAG).
Protein change: p.Gly255fs; shifts the reading frame from glycine 255.
Molecular consequence: frameshift variant. On other transcripts: intron variant (1).
Genome position (GRCh38, 1-based): chr1:100,017,690-100,017,691, AG duplicated; duplicating any 2 consecutive bases within chr1:100,017,689-100,017,691 gives the same sequence; the c. name uses the placement nearest the transcript's 3' end. VCF-style (leftmost placement, unchanged base first): chr1-100017688-G-GGA. GRCh37 (hg19) VCF-style: chr1-100483244-G-GGA.
Other names: c.888_889dup, p.Gly297fs (NM_001271685.2); c.635-4696_635-4695dup (NM_001271684.2); short protein forms G255fs, G297fs.
Identifiers: ClinVar variation 642862 (VCV000642862.6), dbSNP rs1570625903, ClinGen allele CA915941357.

ClinVar aggregate classification (germline): Pathogenic (1 of 4 stars; one submission).

Conditions:
Autism spectrum disorder - epilepsy - arthrogryposis syndrome (AMRS). Identifiers: Orphanet 370943, MedGen C3809910, MONDO:0014248, OMIM 615553.

Submission:

Labcorp Genetics (formerly Invitae), Labcorp
Classification: Pathogenic for Autism spectrum disorder - epilepsy - arthrogryposis syndrome. Last evaluated: 2020-08-21. Review status: criteria provided, single submitter. Criteria: Invitae Variant Classification Sherloc (09022015). Collection method: clinical testing. Allele origin: germline.
Comment: This sequence change creates a premature translational stop signal (p.Gly255Glufs*4) in the SLC35A3 gene. It is expected to result in an absent or disrupted protein product. This variant is not present in population databases (ExAC no frequency). This variant has not been reported in the literature in individuals with SLC35A3-related disease. Loss-of-function variants in SLC35A3 are known to be pathogenic (PMID: 24031089, 28328131). For these reasons, this variant has been classified as Pathogenic.

Literature cited by the submitters: PubMed 24031089; PubMed 28328131.